The following is an entry in ClinVar:

ClinVar aggregate classification (germline): Uncertain significance. Review status: criteria provided, multiple submitters, no conflicts (2 of 4 stars). 2 submissions from 2 submitters: Uncertain significance (2). Last evaluated 2026-08-11.

Conditions:
Inborn genetic diseases. Identifiers: MedGen C0950123, MeSH D030342.

gnomAD v4.1: 1 of 1,614,152 alleles (0.000062%); highest among the groups gnomAD compares: East Asian, 0.0022%; no homozygotes.

Submissions (2):

Ambry Genetics
Classification: Uncertain significance for Inborn genetic diseases. Last evaluated: 2026-08-11. Review status: criteria provided, single submitter. Criteria: Ambry Variant Classification Scheme 2023. Collection method: clinical testing. Allele origin: germline.
Comment: The p.P435S variant (also known as c.1303C>T), located in coding exon 5 of the MBD4 gene, results from a C to T substitution at nucleotide position 1303. The proline at codon 435 is replaced by serine, an amino acid with similar properties. This amino acid position is conserved. In addition, this alteration is predicted to be deleterious by in silico analysis. Based on the available evidence, the clinical significance of this variant remains unclear.

Labcorp Genetics (formerly Invitae), Labcorp
Classification: Uncertain significance. Last evaluated: 2025-01-26. Review status: criteria provided, single submitter. Criteria: Invitae Variant Classification Sherloc (09022015). Collection method: clinical testing. Allele origin: germline.
Comment: This sequence change replaces proline, which is neutral and non-polar, with serine, which is neutral and polar, at codon 441 of the MBD4 protein (p.Pro441Ser). This variant is present in population databases (no rsID available, gnomAD 0.006%). This variant has not been reported in the literature in individuals affected with MBD4-related conditions. An algorithm developed to predict the effect of missense changes on protein structure and function (PolyPhen-2) suggests that this variant is likely to be disruptive. In summary, the available evidence is currently insufficient to determine the role of this variant in disease. Therefore, it has been classified as a Variant of Uncertain Significance.

NM_001276270.2(MBD4):c.1303C>T (p.Pro435Ser)

Gene: MBD4 (methyl-CpG binding domain 4, DNA glycosylase; minus strand). Cytogenetic location: 3q21.3.
Variant type: single nucleotide variant.
Coding change: c.1303C>T on transcript NM_001276270.2 (MANE Select); coding-DNA position 1303, C replaced by T.
Protein change: p.Pro435Ser; replaces proline 435 with serine.
Molecular consequence: missense variant.
Genome position (GRCh38, 1-based): chr3:129,433,940, G>A on the plus strand (C>T on the coding strand, the complement: MBD4 is on the minus strand). VCF-style: chr3-129433940-G-A. GRCh37 (hg19) VCF-style: chr3-129152783-G-A.
Other names: c.1321C>T, p.Pro441Ser (NM_001276271.2, NM_001276272.2, NM_003925.3); c.367C>T, p.Pro123Ser (NM_001276273.2); short protein forms P123S, P435S, P441S.
Identifiers: ClinVar variation 3654919 (VCV003654919.3).